The following is an entry in ClinVar:

NM_032043.3(BRIP1):c.3661C>G (p.Leu1221Val)

Gene: BRIP1 (BRCA1 interacting DNA helicase 1; minus strand). Cytogenetic location: 17q23.2.
Variant type: single nucleotide variant.
Coding change: c.3661C>G on transcript NM_032043.3 (MANE Select); coding-DNA position 3661, C replaced by G.
Protein change: p.Leu1221Val; replaces leucine 1221 with valine.
Molecular consequence: missense variant.
Genome position (GRCh38, 1-based): chr17:61,683,385, G>C on the plus strand (C>G on the coding strand, the complement: BRIP1 is on the minus strand). VCF-style: chr17-61683385-G-C. GRCh37 (hg19) VCF-style: chr17-59760746-G-C.
Other names: short protein forms L1221V.
Identifiers: ClinVar variation 929545 (VCV000929545.5), dbSNP rs2061298344, ClinGen allele CA400477876.

ClinVar aggregate classification (germline): Conflicting classifications of pathogenicity. Review status: criteria provided, conflicting classifications (1 of 4 stars). 3 submissions from 3 submitters: Uncertain significance (1); Likely benign (1). 1 of the submissions does not count toward it. Last evaluated 2024-11-04.

Conditions:
Fanconi anemia complementation group J. Also called: BRIP1-Related Fanconi Anemia. Identifiers: Orphanet 84, MedGen C1836860, MONDO:0012187, OMIM 609054.
Familial cancer of breast. Also called: BREAST CANCER, FAMILIAL; hereditary breast carcinoma; Hereditary breast cancer. Identifiers: Orphanet 227535, MedGen C0346153, MONDO:0016419, OMIM 114480. Disease mechanism: loss of function.
Hereditary cancer-predisposing syndrome. Also called: Tumor predisposition; Hereditary neoplastic syndrome; Neoplastic Syndromes, Hereditary; Hereditary Cancer Syndrome. Identifiers: Orphanet 140162, MedGen C0027672, MeSH D009386, MONDO:0015356.

Submissions (3):

Ambry Genetics
Classification: Likely benign for Hereditary cancer-predisposing syndrome. Last evaluated: 2024-11-04. Review status: criteria provided, single submitter. Criteria: Ambry Variant Classification Scheme 2023. Collection method: clinical testing. Allele origin: germline.

Labcorp Genetics (formerly Invitae), Labcorp
Classification: Uncertain significance for Familial cancer of breast; Fanconi anemia complementation group J. Last evaluated: 2023-07-06. Review status: criteria provided, single submitter. Criteria: Invitae Variant Classification Sherloc (09022015). Collection method: clinical testing. Allele origin: germline.
Comment: In summary, the available evidence is currently insufficient to determine the role of this variant in disease. Therefore, it has been classified as a Variant of Uncertain Significance. An algorithm developed to predict the effect of missense changes on protein structure and function (PolyPhen-2) suggests that this variant is likely to be tolerated. ClinVar contains an entry for this variant (Variation ID: 929545). This missense change has been observed in individual(s) with prostate cancer (PMID: 31214711). This variant is not present in population databases (gnomAD no frequency). This sequence change replaces leucine, which is neutral and non-polar, with valine, which is neutral and non-polar, at codon 1221 of the BRIP1 protein (p.Leu1221Val).

Leiden Open Variation Database
Classification: Uncertain significance. Last evaluated: 2019-08-13. Review status: no assertion criteria provided. Collection method: curation. Allele origin: germline. Affected: yes. Not counted in ClinVar's aggregate classification.
Comment: Curator: Arleen D. Auerbach. Submitter to LOVD: Yukihide Momozawa.

Literature cited by the submitters: PubMed 31214711 (cited by Labcorp Genetics (formerly Invitae), Labcorp and Leiden Open Variation Database).